The following is an entry in ClinVar:

ClinVar aggregate classification (germline): Benign. Review status: criteria provided, multiple submitters, no conflicts (2 of 4 stars). 3 submissions from 3 submitters: Benign (3). Last evaluated 2026-01-27.

Conditions:
Glycogen storage disease IXb (GSD9B). Also called: PHOSPHORYLASE KINASE DEFICIENCY OF LIVER AND MUSCLE, AUTOSOMAL RECESSIVE; GLYCOGENOSIS OF LIVER AND MUSCLE, AUTOSOMAL RECESSIVE; GSD IXb. Identifiers: Orphanet 79240, MedGen C0543514, MONDO:0009868, OMIM 261750.

Allele frequency attached by ClinVar (database versions not stated): gnomAD exomes 0.00079 and 0.00218; ExAC 0.00291; gnomAD 0.00855 and 0.00923; 1000 Genomes Project 0.00859; 1000 Genomes Project 30x 0.00906; TOPMed 0.00983; ESP Exome Variant Server 0.01000.
gnomAD v4.1: 2,411 of 1,531,922 alleles (0.16%); highest among the groups gnomAD compares: African/African-American, 3%; 40 homozygotes.

Submissions (3):

Labcorp Genetics (formerly Invitae), Labcorp
Classification: Benign for Glycogen storage disease IXb. Last evaluated: 2026-01-27. Review status: criteria provided, single submitter. Criteria: Invitae Variant Classification Sherloc (09022015). Collection method: clinical testing. Allele origin: germline.

ARUP Laboratories, Molecular Genetics and Genomics, ARUP Laboratories
Classification: Benign for Glycogen storage disease IXb. Last evaluated: 2024-11-05. Review status: criteria provided, single submitter. Criteria: ARUP Molecular Germline Variant Investigation Process 2024. Collection method: clinical testing. Allele origin: germline.

GeneDx
Classification: Benign. Last evaluated: 2016-04-25. Review status: criteria provided, single submitter. Criteria: GeneDx Variant Classification (06012015). Collection method: clinical testing. Allele origin: germline. Affected: yes.
Comment: This variant is considered likely benign or benign based on one or more of the following criteria: it is a conservative change, it occurs at a poorly conserved position in the protein, it is predicted to be benign by multiple in silico algorithms, and/or has population frequency not consistent with disease.

NM_000293.3(PHKB):c.870+17T>C

Gene: PHKB (phosphorylase kinase regulatory subunit beta; plus strand). Cytogenetic location: 16q12.1.
Variant type: single nucleotide variant.
Coding change: c.870+17T>C on transcript NM_000293.3 (MANE Select); 17 bases into the intron after coding-DNA position 870, T replaced by C.
Molecular consequence: intron variant.
Genome position (GRCh38, 1-based): chr16:47,587,780, T>C. VCF-style: chr16-47587780-T-C. GRCh37 (hg19) VCF-style: chr16-47621691-T-C.
Other names: c.870+17T>C (NM_001363837.1); c.849+17T>C (NM_001031835.3).
Identifiers: ClinVar variation 384982 (VCV000384982.11), dbSNP rs75918606, ClinGen allele CA8040643.